The following is an entry in ClinVar:

ClinVar aggregate classification (germline): Pathogenic (1 of 4 stars; one submission).

Submission:

Labcorp Genetics (formerly Invitae), Labcorp
Classification: Pathogenic. Last evaluated: 2023-09-29. Review status: criteria provided, single submitter. Criteria: Invitae Variant Classification Sherloc (09022015). Collection method: clinical testing. Allele origin: germline.
Comment: This sequence change creates a premature translational stop signal (p.Glu616*) in the LAMB3 gene. It is expected to result in an absent or disrupted protein product. Loss-of-function variants in LAMB3 are known to be pathogenic (PMID: 11023379, 16473856). This variant is not present in population databases (gnomAD no frequency). This variant has not been reported in the literature in individuals affected with LAMB3-related conditions. For these reasons, this variant has been classified as Pathogenic.

Literature cited by the submitters: PubMed 11023379; PubMed 16473856.

NM_000228.3(LAMB3):c.1846G>T (p.Glu616Ter)

Gene: LAMB3 (laminin subunit beta 3; minus strand). Cytogenetic location: 1q32.2.
Variant type: single nucleotide variant.
Coding change: c.1846G>T on transcript NM_000228.3 (MANE Select); coding-DNA position 1846, G replaced by T.
Protein change: p.Glu616Ter; replaces glutamic acid 616 with a stop codon.
Molecular consequence: nonsense.
Genome position (GRCh38, 1-based): chr1:209,625,778, C>A on the plus strand (G>T on the coding strand, the complement: LAMB3 is on the minus strand). VCF-style: chr1-209625778-C-A. GRCh37 (hg19) VCF-style: chr1-209799123-C-A.
Other names: c.1846G>T, p.Glu616Ter (NM_001017402.2, NM_001127641.1); short protein forms E616*.
Identifiers: ClinVar variation 3007701 (VCV003007701.3), dbSNP rs2464815344, ClinGen allele CA344589279.